The following is an entry in ClinVar:

NM_001354930.2(RIPK1):c.42C>T (p.Ser14=)

Gene: RIPK1 (receptor interacting serine/threonine kinase 1; plus strand). Cytogenetic location: 6p25.2.
Variant type: single nucleotide variant.
Coding change: c.42C>T on transcript NM_001354930.2 (MANE Select); coding-DNA position 42, C replaced by T.
Protein change: p.Ser14=; no amino-acid change (serine 14 retained).
Molecular consequence: synonymous variant. On other transcripts: 5 prime UTR variant (4).
Genome position (GRCh38, 1-based): chr6:3,076,865, C>T. VCF-style: chr6-3076865-C-T. GRCh37 (hg19) VCF-style: chr6-3077099-C-T.
Other names: c.-562C>T (NM_001317061.3, NM_001354932.2, NM_001354933.2 and 1 more transcripts); c.42C>T, p.Ser14= (NM_001354931.2, NM_003804.6).
Identifiers: ClinVar variation 1580741 (VCV001580741.33), dbSNP rs139862401, ClinGen allele CA3618054.

ClinVar aggregate classification (germline): Likely benign. Review status: criteria provided, multiple submitters, no conflicts (2 of 4 stars). 3 submissions from 3 submitters: Likely benign (3). Last evaluated 2025-10-08.

Allele frequency attached by ClinVar (database versions not stated): gnomAD 0.00001; gnomAD exomes 0.00001 and 0.00002; ExAC 0.00003; ESP Exome Variant Server 0.00015.
gnomAD v4.1: 29 of 1,612,628 alleles (0.0018%); highest among the groups gnomAD compares: Non-Finnish European, 0.0023%; no homozygotes.

Submissions (3):

Labcorp Genetics (formerly Invitae), Labcorp
Classification: Likely benign. Last evaluated: 2025-10-08. Review status: criteria provided, single submitter. Criteria: Invitae Variant Classification Sherloc (09022015). Collection method: clinical testing. Allele origin: germline.

Blueprint Genetics
Classification: Likely benign. Last evaluated: 2024-02-28. Review status: criteria provided, single submitter. Criteria: ACMG Guidelines, 2015. Collection method: clinical testing. Allele origin: germline.

CeGaT Center for Human Genetics Tuebingen
Classification: Likely benign. Last evaluated: 2023-03-01. Review status: criteria provided, single submitter. Criteria: CeGaT Center For Human Genetics Tuebingen Variant Classification Criteria Version 2. Collection method: clinical testing. Allele origin: germline. Affected: yes. Observed: 1 variant allele.
Comment: RIPK1: BP4, BP7